The following is an entry in ClinVar:

ClinVar aggregate classification (germline): Benign/Likely benign. Review status: criteria provided, multiple submitters, no conflicts (2 of 4 stars). 5 submissions from 5 submitters: Benign (1); Likely benign (4). Last evaluated 2025-01-24.

Conditions:
Hereditary cancer-predisposing syndrome. Also called: Neoplastic Syndromes, Hereditary; Tumor predisposition; Hereditary Cancer Syndrome; Hereditary neoplastic syndrome. Identifiers: Orphanet 140162, MedGen C0027672, MeSH D009386, MONDO:0015356.
Lynch syndrome 4 (LYNCH4). Also called: Colorectal cancer, hereditary nonpolyposis, type 4; Hereditary non-polyposis colorectal cancer, type 4. Identifiers: Orphanet 144, MedGen C1838333, MONDO:0013699, OMIM 614337. Disease mechanism: loss of function.
Lynch syndrome. Identifiers: Orphanet 144, MedGen C4552100, MONDO:0005835. Disease mechanism: loss of function.
Hereditary nonpolyposis colorectal neoplasms. Identifiers: MedGen C0009405, MeSH D003123.

Allele frequency attached by ClinVar (database versions not stated): gnomAD exomes below 0.00001; gnomAD 0.00001; TOPMed 0.00001.
gnomAD v4.1: 3 of 1,604,750 alleles (0.00019%); highest among the groups gnomAD compares: Non-Finnish European, 0.00025%; no homozygotes.

Submissions (5):

Myriad Genetics, Inc.
Classification: Benign for Lynch syndrome 4. Last evaluated: 2025-01-24. Review status: criteria provided, single submitter. Criteria: Myriad Autosomal Dominant, Autosomal Recessive and X-Linked Classification Criteria (2023). Collection method: clinical testing. Allele origin: unknown.
Comment: This variant is considered benign. This variant is a silent/synonymous amino acid change and it is not expected to impact splicing.

Labcorp Genetics (formerly Invitae), Labcorp
Classification: Likely benign for Hereditary nonpolyposis colorectal neoplasms. Last evaluated: 2024-12-18. Review status: criteria provided, single submitter. Criteria: Invitae Variant Classification Sherloc (09022015). Collection method: clinical testing. Allele origin: germline.

All of Us Research Program, National Institutes of Health
Classification: Likely benign for Lynch syndrome. Last evaluated: 2023-09-17. Review status: criteria provided, single submitter. Criteria: ACMG Guidelines, 2015. Collection method: clinical testing. Allele origin: germline. Inheritance: Autosomal dominant inheritance. Observed: 3 variant alleles, 3 heterozygotes.
Comment: This study involves interpretation of variants in research participants for the purpose of population health screening. Participant phenotype was not available at the time of variant classification. Additional details can be found in publication PMID: 35346344, PMCID: PMC8962531

Color Diagnostics, LLC DBA Color Health
Classification: Likely benign for Hereditary cancer-predisposing syndrome. Last evaluated: 2022-10-10. Review status: criteria provided, single submitter. Criteria: ACMG Guidelines, 2015. Collection method: clinical testing. Allele origin: germline.

Ambry Genetics
Classification: Likely benign for Hereditary cancer-predisposing syndrome. Last evaluated: 2019-01-09. Review status: criteria provided, single submitter. Criteria: Ambry Variant Classification Scheme 2023. Collection method: clinical testing. Allele origin: germline.

NM_000535.7(PMS2):c.267A>G (p.Thr89=)

Gene: PMS2 (PMS1 homolog 2, mismatch repair system component; minus strand). Cytogenetic location: 7p22.1.
Variant type: single nucleotide variant.
Coding change: c.267A>G on transcript NM_000535.7 (MANE Select); coding-DNA position 267, A replaced by G.
Protein change: p.Thr89=; no amino-acid change (threonine 89 retained).
Molecular consequence: synonymous variant. On other transcripts: 5 prime UTR variant (9), non-coding transcript variant (1), intron variant (2).
Genome position (GRCh38, 1-based): chr7:6,003,776, T>C on the plus strand (A>G on the coding strand, the complement: PMS2 is on the minus strand). VCF-style: chr7-6003776-T-C. GRCh37 (hg19) VCF-style: chr7-6043407-T-C.
Other names: c.-139A>G (NM_001322003.2, NM_001322004.2, NM_001322005.2 and 3 more transcripts); c.267A>G, p.Thr89= (NM_001322006.2, NM_001322014.2); c.-618A>G (NM_001322011.2, NM_001322012.2); c.-218A>G (NM_001322015.2); c.35+196A>G (NM_001322008.2, NM_001322007.2).
Identifiers: ClinVar variation 231474 (VCV000231474.20), dbSNP rs876659181, ClinGen allele CA10578723.